The following is an entry in ClinVar:

ClinVar aggregate classification (germline): Uncertain significance (1 of 4 stars; one submission).

Submission:

Women's Health and Genetics/Laboratory Corporation of America, LabCorp
Classification: Uncertain significance. Last evaluated: 2025-04-10. Review status: criteria provided, single submitter. Criteria: LabCorp Variant Classification Summary - May 2015. Collection method: clinical testing. Allele origin: germline.
Comment: Variant summary: POR c.1060_1062delGAG (p.Glu354del) results in an in-frame deletion that is predicted to remove 1 amino acid from the encoded protein. Consensus agreement among computation tools predict no significant impact on normal splicing. However, these predictions have yet to be confirmed by functional studies. The variant allele was found at a frequency of 9.6e-05 in 1612238 control chromosomes. This frequency is not significantly higher than estimated for a pathogenic variant in POR causing Congenital Adrenal Hyperplasia (9.6e-05 vs 0.00091), allowing no conclusion about variant significance. To our knowledge, no occurrence of c.1060_1062delGAG in individuals affected with Congenital Adrenal Hyperplasia and no experimental evidence demonstrating its impact on protein function have been reported. No submitters have cited clinical-significance assessments for this variant to ClinVar. Based on the evidence outlined above, the variant was classified as uncertain significance.

NM_001395413.1(POR):c.1060_1062delGAG

Gene: POR (cytochrome p450 oxidoreductase; plus strand). Cytogenetic location: 7q11.23.
Variant type: Microsatellite.
Coding change: c.1060_1062delGAG on transcript NM_001395413.1 (MANE Select); coding-DNA positions 1060 to 1062, 3 bases deleted (GAG).
Molecular consequence: splice acceptor variant.
Genome position (GRCh38, 1-based): chr7:75,984,779-75,984,781, GAG deleted; deleting any 3 consecutive bases within chr7:75,984,776-75,984,781 gives the same sequence; the c. name uses the placement nearest the transcript's 3' end. VCF-style (leftmost placement, unchanged base first): chr7-75984775-AGAG-A. GRCh37 (hg19) VCF-style: chr7-75614093-AGAG-A.
Identifiers: ClinVar variation 3896351 (VCV003896351.2).